The following is an entry in ClinVar:

ClinVar aggregate classification (germline): Uncertain significance. Review status: criteria provided, multiple submitters, no conflicts (2 of 4 stars). 7 submissions from 4 submitters: Uncertain significance (6). 1 of the submissions does not count toward it. Last evaluated 2024-07-24.

Conditions:
TWNK-related disorder. Also called: TWNK-related condition.
Autosomal recessive cerebellar ataxia. Also called: Spinocerebellar ataxia, autosomal recessive; Spinocerebellar Ataxia, Recessive. Identifiers: Orphanet 1172, MedGen C5575375, MONDO:0015244.
Infantile onset spinocerebellar ataxia (MTDPS7). Also called: OHAHA SYNDROME; SPINOCEREBELLAR ATAXIA, INFANTILE, WITH SENSORY NEUROPATHY; Mitochondrial DNA depletion syndrome 7 (hepatocerebral type); OPHTHALMOPLEGIA, HYPOTONIA, ATAXIA, HYPOACUSIS, AND ATHETOSIS. Identifiers: Orphanet 1186, MedGen C1849096, MONDO:0010060, OMIM 271245.
Sensory ataxic neuropathy, dysarthria, and ophthalmoparesis (SANDO). Also called: Sensory ataxic neuropathy-dysarthria-ophthalmoparesis syndrome; Epilepsy, progressive myoclonic, type 5; SENSORY ATAXIC NEUROPATHY WITH MITOCHONDRIAL DNA DELETIONS, AUTOSOMAL RECESSIVE; Ataxia Neuropathy Spectrum (ANS). Identifiers: Orphanet 70595, MedGen C1843851, MONDO:0011835, OMIM 607459.
Progressive external ophthalmoplegia with mitochondrial DNA deletions, autosomal dominant 3. Also called: PROGRESSIVE EXTERNAL OPHTHALMOPLEGIA, AUTOSOMAL DOMINANT 3. Identifiers: MedGen C1836439, MONDO:0012241, OMIM 609286.

Allele frequency attached by ClinVar (database versions not stated): gnomAD exomes below 0.00001 and 0.00003.
gnomAD v4.1: 37 of 1,614,128 alleles (0.0023%); highest among the groups gnomAD compares: Non-Finnish European, 0.0031%; no homozygotes.

Submissions (7):

Women's Health and Genetics/Laboratory Corporation of America, LabCorp
Classification: Uncertain significance. Last evaluated: 2024-07-24. Review status: criteria provided, single submitter. Criteria: LabCorp Variant Classification Summary - May 2015. Collection method: clinical testing. Allele origin: germline.
Comment: Variant summary: TWNK c.1906G>A (p.Ala636Thr) results in a non-conservative amino acid change in the encoded protein sequence. Four of five in-silico tools predict a benign effect of the variant on protein function. The variant allele was found at a frequency of 4e-06 in 251484 control chromosomes. The available data on variant occurrences in the general population are insufficient to allow any conclusion about variant significance. To our knowledge, no occurrence of c.1906G>A in individuals affected with Infantile Onset Spinocerebellar Ataxia and no experimental evidence demonstrating its impact on protein function have been reported. ClinVar contains an entry for this variant (Variation ID: 878400). Based on the evidence outlined above, the variant was classified as uncertain significance.

Labcorp Genetics (formerly Invitae), Labcorp
Classification: Uncertain significance. Last evaluated: 2021-02-12. Review status: criteria provided, single submitter. Criteria: Invitae Variant Classification Sherloc (09022015). Collection method: clinical testing. Allele origin: germline.
Comment: In summary, the available evidence is currently insufficient to determine the role of this variant in disease. Therefore, it has been classified as a Variant of Uncertain Significance. Advanced modeling of protein sequence and biophysical properties (such as structural, functional, and spatial information, amino acid conservation, physicochemical variation, residue mobility, and thermodynamic stability) performed at Invitae indicates that this missense variant is not expected to disrupt C10orf2 protein function. This variant has not been reported in the literature in individuals with C10orf2-related conditions. ClinVar contains an entry for this variant (Variation ID: 878400). This variant is not present in population databases (ExAC no frequency). This sequence change replaces alanine with threonine at codon 636 of the C10orf2 protein (p.Ala636Thr). The alanine residue is moderately conserved and there is a small physicochemical difference between alanine and threonine.

Illumina Laboratory Services, Illumina
Classification: Uncertain significance for Progressive external ophthalmoplegia with mitochondrial DNA deletions, autosomal dominant 3. Last evaluated: 2018-01-12. Review status: criteria provided, single submitter. Criteria: ICSL Variant Classification Criteria 13 December 2019. Collection method: clinical testing. Allele origin: germline.

Illumina Laboratory Services, Illumina
Classification: Uncertain significance for Infantile onset spinocerebellar ataxia. Last evaluated: 2018-01-12. Review status: criteria provided, single submitter. Criteria: ICSL Variant Classification Criteria 13 December 2019. Collection method: clinical testing. Allele origin: germline.

Illumina Laboratory Services, Illumina
Classification: Uncertain significance for Autosomal recessive cerebellar ataxia. Last evaluated: 2018-01-12. Review status: criteria provided, single submitter. Criteria: ICSL Variant Classification Criteria 13 December 2019. Collection method: clinical testing. Allele origin: germline.

Illumina Laboratory Services, Illumina
Classification: Uncertain significance for Sensory ataxic neuropathy-dysarthria-ophthalmoparesis syndrome. Last evaluated: 2018-01-12. Review status: criteria provided, single submitter. Criteria: ICSL Variant Classification Criteria 13 December 2019. Collection method: clinical testing. Allele origin: germline.

PreventionGenetics, part of Exact Sciences
Classification: Uncertain significance for TWNK-related condition. Last evaluated: 2024-08-15. Review status: no assertion criteria provided. Collection method: clinical testing. Allele origin: germline. Not counted in ClinVar's aggregate classification.
Comment: The TWNK c.1906G>A variant is predicted to result in the amino acid substitution p.Ala636Thr. To our knowledge, this variant has not been reported in the literature. This variant is reported in 0.00088% of alleles in individuals of European (Non-Finnish) descent in gnomAD. At this time, the clinical significance of this variant is uncertain due to the absence of conclusive functional and genetic evidence.

NM_021830.5(TWNK):c.1906G>A (p.Ala636Thr)

Gene: TWNK (twinkle mtDNA helicase; plus strand). Cytogenetic location: 10q24.31.
Variant type: single nucleotide variant.
Coding change: c.1906G>A on transcript NM_021830.5 (MANE Select); coding-DNA position 1906, G replaced by A.
Protein change: p.Ala636Thr; replaces alanine 636 with threonine.
Molecular consequence: missense variant. On other transcripts: 3 prime UTR variant (2), non-coding transcript variant (5).
Genome position (GRCh38, 1-based): chr10:100,993,361, G>A. VCF-style: chr10-100993361-G-A. GRCh37 (hg19) VCF-style: chr10-102753118-G-A.
Other names: c.*201G>A (NM_001163812.2, NM_001163814.2); c.544G>A, p.Ala182Thr (NM_001163813.2, NM_001368275.1); short protein forms A182T, A636T.
Identifiers: ClinVar variation 878400 (VCV000878400.11), dbSNP rs1426435572, ClinGen allele CA378212632.